The following is an entry in ClinVar:

NM_001267550.2(TTN):c.32062G>A (p.Val10688Ile)

Gene: TTN (titin; minus strand). Cytogenetic location: 2q31.2.
Variant type: single nucleotide variant.
Coding change: c.32062G>A on transcript NM_001267550.2 (MANE Select); coding-DNA position 32062, G replaced by A.
Protein change: p.Val10688Ile; replaces valine 10688 with isoleucine.
Molecular consequence: missense variant. On other transcripts: intron variant (3).
Genome position (GRCh38, 1-based): chr2:178,689,086, C>T on the plus strand (G>A on the coding strand, the complement: TTN is on the minus strand). VCF-style: chr2-178689086-C-T. GRCh37 (hg19) VCF-style: chr2-179553813-C-T.
Other names: c.31111G>A, p.Val10371Ile (NM_001256850.1); c.28330G>A, p.Val9444Ile (NM_133378.4); c.13283-46769G>A (NM_003319.4); c.13859-46769G>A (NM_133437.4); c.13658-46769G>A (NM_133432.3); short protein forms V10371I, V10688I, V9444I.
Identifiers: ClinVar variation 3769796 (VCV003769796.1).

ClinVar aggregate classification (germline): Uncertain significance (1 of 4 stars; one submission).

gnomAD v4.1: 7 of 1,600,842 alleles (0.00044%); highest among the groups gnomAD compares: African/African-American, 0.0084%; no homozygotes.

Submission:

GeneDx
Classification: Uncertain significance. Last evaluated: 2024-09-12. Review status: criteria provided, single submitter. Criteria: GeneDx Variant Classification Process June 2021. Collection method: clinical testing. Allele origin: germline. Affected: yes.
Comment: Not observed at significant frequency in large population cohorts (gnomAD); Missense variant in a gene in which most reported pathogenic variants are truncating/loss of function; Has not been previously published as pathogenic or benign to our knowledge; This variant is associated with the following publications: (PMID: 27625338, 27869827)